The following is an entry in ClinVar:

ClinVar aggregate classification (germline): Likely benign. Review status: criteria provided, multiple submitters, no conflicts (2 of 4 stars). 2 submissions from 2 submitters: Likely benign (2). Last evaluated 2025-03-06.

Conditions:
SETBP1-related disorder. Also called: SETBP1-related condition; SETBP1-related disorders.

gnomAD v4.1: 3 of 1,614,060 alleles (0.00019%); highest among the groups gnomAD compares: African/African-American, 0.004%; no homozygotes.

Submissions (2):

Labcorp Genetics (formerly Invitae), Labcorp
Classification: Likely benign. Last evaluated: 2025-03-06. Review status: criteria provided, single submitter. Criteria: Invitae Variant Classification Sherloc (09022015). Collection method: clinical testing. Allele origin: germline.

PreventionGenetics, part of Exact Sciences
Classification: Likely benign for SETBP1-related condition. Last evaluated: 2025-01-29. Review status: criteria provided, single submitter. Criteria: ACMG Guidelines, 2015. Collection method: clinical testing. Allele origin: germline.
Comment: This variant is classified as likely benign based on ACMG/AMP sequence variant interpretation guidelines (Richards et al. 2015 PMID: 25741868, with internal and published modifications).

NM_015559.3(SETBP1):c.4041G>C (p.Val1347=)

Gene: SETBP1 (SET binding protein 1; plus strand). Cytogenetic location: 18q12.3.
Variant type: single nucleotide variant.
Coding change: c.4041G>C on transcript NM_015559.3 (MANE Select); coding-DNA position 4041, G replaced by C.
Protein change: p.Val1347=; no amino-acid change (valine 1347 retained).
Molecular consequence: synonymous variant. On other transcripts: intron variant (1).
Genome position (GRCh38, 1-based): chr18:45,038,525, G>C. VCF-style: chr18-45038525-G-C. GRCh37 (hg19) VCF-style: chr18-42618490-G-C.
Other names: c.4041G>C (NM_015559.2); c.4041G>C, p.Val1347= (NM_001379141.1, NM_001379142.1); c.4001-24554G>C (NM_001410862.1).
Identifiers: ClinVar variation 4764581 (VCV004764581.2).